The following is an entry in ClinVar:

ClinVar aggregate classification (germline): Uncertain significance. Review status: criteria provided, multiple submitters, no conflicts (2 of 4 stars). 3 submissions from 3 submitters: Uncertain significance (3). Last evaluated 2024-01-15.

Conditions:
Primary ciliary dyskinesia. Also called: Ciliary dyskinesia. Identifiers: Orphanet 244, MedGen C0008780, MONDO:0016575, HP:0012265.
Primary ciliary dyskinesia 14. Also called: CILIARY DYSKINESIA, PRIMARY, 14, WITH OR WITHOUT SITUS INVERSUS. Identifiers: Orphanet 244, MedGen C3151136, MONDO:0013434, OMIM 613807.

Allele frequency attached by ClinVar (database versions not stated): ExAC 0.00001; gnomAD 0.00001; gnomAD exomes 0.00001 and 0.00002.
gnomAD v4.1: 23 of 1,612,296 alleles (0.0014%); highest among the groups gnomAD compares: Non-Finnish European, 0.002%; no homozygotes.

Submissions (3):

Labcorp Genetics (formerly Invitae), Labcorp
Classification: Uncertain significance for Primary ciliary dyskinesia. Last evaluated: 2024-01-15. Review status: criteria provided, single submitter. Criteria: Invitae Variant Classification Sherloc (09022015). Collection method: clinical testing. Allele origin: germline.
Comment: This sequence change replaces glutamic acid, which is acidic and polar, with alanine, which is neutral and non-polar, at codon 184 of the CCDC39 protein (p.Glu184Ala). This variant is present in population databases (rs752974826, gnomAD 0.003%). This variant has not been reported in the literature in individuals affected with CCDC39-related conditions. ClinVar contains an entry for this variant (Variation ID: 902179). An algorithm developed to predict the effect of missense changes on protein structure and function (PolyPhen-2) suggests that this variant is likely to be disruptive. In summary, the available evidence is currently insufficient to determine the role of this variant in disease. Therefore, it has been classified as a Variant of Uncertain Significance.

Ambry Genetics
Classification: Uncertain significance for Primary ciliary dyskinesia. Last evaluated: 2022-04-13. Review status: criteria provided, single submitter. Criteria: Ambry Variant Classification Scheme 2023. Collection method: clinical testing. Allele origin: germline.

Illumina Laboratory Services, Illumina
Classification: Uncertain significance for Primary ciliary dyskinesia 14. Last evaluated: 2018-01-12. Review status: criteria provided, single submitter. Criteria: ICSL Variant Classification Criteria 13 December 2019. Collection method: clinical testing. Allele origin: germline.

NM_181426.2(CCDC39):c.551A>C (p.Glu184Ala)

Gene: CCDC39 (coiled-coil domain 39 molecular ruler complex subunit; minus strand). Cytogenetic location: 3q26.33.
Variant type: single nucleotide variant.
Coding change: c.551A>C on transcript NM_181426.2 (MANE Select); coding-DNA position 551, A replaced by C.
Protein change: p.Glu184Ala; replaces glutamic acid 184 with alanine.
Molecular consequence: missense variant.
Genome position (GRCh38, 1-based): chr3:180,659,735, T>G on the plus strand (A>C on the coding strand, the complement: CCDC39 is on the minus strand). VCF-style: chr3-180659735-T-G. GRCh37 (hg19) VCF-style: chr3-180377523-T-G.
Other names: short protein forms E184A.
Identifiers: ClinVar variation 902179 (VCV000902179.9), dbSNP rs752974826, ClinGen allele CA2716140.
Genomic context (GRCh38, chr3:180,659,735, plus strand): 5'-ACCTGTGCGCTTATAGTCTCTGTAAGTTCGTTGTCAAGTATCTTTCTTTTCTGATTACAT[T>G]CCAAAGTTAGTCTTTCTAATTGCAGAGTCAGTGCCTATGATGTAATTATATACAGATACT-3'
Protein context (NP_852091.1, residues 174-194): LTLQLERLTL[Glu184Ala]CNQKRKILDN